The following is an entry in ClinVar:

ClinVar aggregate classification (germline): Uncertain significance. Review status: criteria provided, multiple submitters, no conflicts (2 of 4 stars). 2 submissions from 2 submitters: Uncertain significance (2). Last evaluated 2019-10-17.

Conditions:
GARS-Associated Axonal Neuropathy. Identifiers: MedGen CN118836.
GARS1-related neuropathies.
Charcot-Marie-Tooth disease type 2. Also called: Charcot-Marie-Tooth type 2. Identifiers: Orphanet 64746, MedGen C0270914, MONDO:0018993.

Allele frequency attached by ClinVar (database versions not stated): gnomAD exomes 0.00001 and below 0.00001; ExAC 0.00001; TOPMed 0.00002.
gnomAD v4.1: 4 of 1,613,532 alleles (0.00025%); highest among the groups gnomAD compares: East Asian, 0.0045%; no homozygotes.

Submissions (2):

Illumina Laboratory Services, Illumina
Classification: Uncertain significance for GARS1-related neuropathies. Last evaluated: 2019-10-17. Review status: criteria provided, single submitter. Criteria: ICSLVariantClassificationCriteria RUGD 01 April 2020. Collection method: clinical testing. Allele origin: unknown.
Comment: The GARS1 c.668A>G (p.Gln223Arg) variant is a missense variant. A literature search was performed for the gene, cDNA change, and amino acid change. No publications were found based on this search. This variant is reported at a frequency of 0.000111 in the East Asian population of the Genome Aggregation Consortium, though this is based on only two alleles in a region of good sequencing coverage, so the variant is assumed to be rare. Based on the limited evidence, the p.Gln223Arg variant is classified as a variant of unknown significance for GARS1-related neuropathies.

Labcorp Genetics (formerly Invitae), Labcorp
Classification: Uncertain significance for Charcot-Marie-Tooth disease type 2. Last evaluated: 2018-09-19. Review status: criteria provided, single submitter. Criteria: Invitae Variant Classification Sherloc (09022015). Collection method: clinical testing. Allele origin: germline.
Comment: This variant is present in population databases (rs750901652, ExAC 0.01%). In summary, the available evidence is currently insufficient to determine the role of this variant in disease. Therefore, it has been classified as a Variant of Uncertain Significance. Algorithms developed to predict the effect of missense changes on protein structure and function are either unavailable or do not agree on the potential impact of this missense change (SIFT: "Deleterious"; PolyPhen-2: "Benign"; Align-GVGD: "Class C0"). This variant has not been reported in the literature in individuals with GARS-related disease. This sequence change replaces glutamine with arginine at codon 223 of the GARS protein (p.Gln223Arg). The glutamine residue is moderately conserved and there is a small physicochemical difference between glutamine and arginine.

NM_002047.4(GARS1):c.668A>G (p.Gln223Arg)

Gene: GARS1 (glycyl-tRNA synthetase 1; plus strand). Cytogenetic location: 7p14.3.
Variant type: single nucleotide variant.
Coding change: c.668A>G on transcript NM_002047.4 (MANE Select); coding-DNA position 668, A replaced by G.
Protein change: p.Gln223Arg; replaces glutamine 223 with arginine.
Molecular consequence: missense variant.
Genome position (GRCh38, 1-based): chr7:30,603,505, A>G. VCF-style: chr7-30603505-A-G. GRCh37 (hg19) VCF-style: chr7-30643121-A-G.
Other names: c.668A>G (LRG_243t1); c.506A>G, p.Gln169Arg (NM_001316772.1); short protein forms Q169R, Q223R.
Identifiers: ClinVar variation 647673 (VCV000647673.14), dbSNP rs750901652, ClinGen allele CA4205777.
Genomic context (GRCh38, chr7:30,603,505, plus strand): 5'-TGCATTGTCCTTTTTCCCATTGATTGATATATGTCAACACTGTTCTTACAGCTCATTTAC[A>G]GAAATTGATGTCTGATAAGAAGTGTTCTGTCGAAAAGAAATCAGAAATGGAAAGTGTTTT-3'
Protein context (NP_002038.2, residues 213-233): RADHLLKAHL[Gln223Arg]KLMSDKKCSV